The following is an entry in ClinVar:

ClinVar aggregate classification (germline): Uncertain significance (1 of 4 stars; one submission).

Conditions:
Ehlers-Danlos syndrome, classic type, 1 (EDSCL1). Also called: EHLERS-DANLOS SYNDROME, GRAVIS TYPE; EHLERS-DANLOS SYNDROME, SEVERE CLASSIC TYPE; Ehlers-Danlos syndrome, type 1; Ehlers-Danlos Syndrome, Classic Type, COL5A1-Related; EDS I. Identifiers: MedGen C0268335, MONDO:0019567, OMIM 130000.
Osteogenesis imperfecta type I (OI1). Also called: OI, TYPE I; OSTEOGENESIS IMPERFECTA TARDA; OSTEOGENESIS IMPERFECTA WITH BLUE SCLERAE; Osteogenesis imperfecta type 1; Lobstein's Disease; Lobstein disease. Identifiers: Orphanet 216796, Orphanet 666, MedGen C0023931, MONDO:0008146, OMIM 166200. Disease mechanism: loss of function.

gnomAD v4.1: 1 of 1,613,866 alleles (0.000062%); highest among the groups gnomAD compares: Non-Finnish European, 0.000085%; no homozygotes.

Submission:

Labcorp Genetics (formerly Invitae), Labcorp
Classification: Uncertain significance for Osteogenesis imperfecta type I; Ehlers-Danlos syndrome, classic type, 1. Last evaluated: 2025-12-11. Review status: criteria provided, single submitter. Criteria: Invitae Variant Classification Sherloc (09022015). Collection method: clinical testing. Allele origin: germline.
Comment: This sequence change replaces aspartic acid, which is acidic and polar, with histidine, which is basic and polar, at codon 474 of the COL1A2 protein (p.Asp474His). This variant is not present in population databases (gnomAD no frequency). This variant has not been reported in the literature in individuals affected with COL1A2-related conditions. Invitae Evidence Modeling of protein sequence and biophysical properties (such as structural, functional, and spatial information, amino acid conservation, physicochemical variation, residue mobility, and thermodynamic stability) has been performed for this missense variant. However, the output from this modeling did not meet the statistical confidence thresholds required to predict the impact of this variant on COL1A2 protein function. In summary, the available evidence is currently insufficient to determine the role of this variant in disease. Therefore, it has been classified as a Variant of Uncertain Significance.

NM_000089.4(COL1A2):c.1420G>C (p.Asp474His)

Gene: COL1A2 (collagen type I alpha 2 chain; plus strand). Cytogenetic location: 7q21.3.
Variant type: single nucleotide variant.
Coding change: c.1420G>C on transcript NM_000089.4 (MANE Select); coding-DNA position 1420, G replaced by C.
Protein change: p.Asp474His; replaces aspartic acid 474 with histidine.
Molecular consequence: missense variant.
Genome position (GRCh38, 1-based): chr7:94,412,599, G>C. VCF-style: chr7-94412599-G-C. GRCh37 (hg19) VCF-style: chr7-94041911-G-C.
Other names: short protein forms D474H.
Identifiers: ClinVar variation 4793639 (VCV004793639.1).